The following is an entry in ClinVar:

ClinVar aggregate classification (germline): Uncertain significance (1 of 4 stars; one submission).

Submission:

Labcorp Genetics (formerly Invitae), Labcorp
Classification: Uncertain significance. Last evaluated: 2024-01-03. Review status: criteria provided, single submitter. Criteria: Invitae Variant Classification Sherloc (09022015). Collection method: clinical testing. Allele origin: germline.
Comment: This sequence change replaces alanine, which is neutral and non-polar, with valine, which is neutral and non-polar, at codon 657 of the EIF2AK3 protein (p.Ala657Val). This variant is not present in population databases (gnomAD no frequency). This missense change has been observed in individual(s) with clinical features of EIF2AK3-related conditions (Invitae). In at least one individual the data is consistent with being in trans (on the opposite chromosome) from a pathogenic variant. An algorithm developed to predict the effect of missense changes on protein structure and function (PolyPhen-2) suggests that this variant is likely to be disruptive. In summary, the available evidence is currently insufficient to determine the role of this variant in disease. Therefore, it has been classified as a Variant of Uncertain Significance.

NM_004836.7(EIF2AK3):c.1970C>T (p.Ala657Val)

Gene: EIF2AK3 (eukaryotic translation initiation factor 2 alpha kinase 3; minus strand). Cytogenetic location: 2p11.2.
Variant type: single nucleotide variant.
Coding change: c.1970C>T on transcript NM_004836.7 (MANE Select); coding-DNA position 1970, C replaced by T.
Protein change: p.Ala657Val; replaces alanine 657 with valine.
Molecular consequence: missense variant.
Genome position (GRCh38, 1-based): chr2:88,576,620, G>A on the plus strand (C>T on the coding strand, the complement: EIF2AK3 is on the minus strand). VCF-style: chr2-88576620-G-A. GRCh37 (hg19) VCF-style: chr2-88876138-G-A.
Other names: c.1517C>T, p.Ala506Val (NM_001313915.2); short protein forms A506V, A657V.
Identifiers: ClinVar variation 2707183 (VCV002707183.3), dbSNP rs2529133005, ClinGen allele CA347593219.